The following is an entry in ClinVar:

ClinVar aggregate classification (germline): Uncertain significance (1 of 4 stars; one submission).

gnomAD v4.1: 3 of 1,613,574 alleles (0.00019%); highest among the groups gnomAD compares: African/African-American, 0.0027%; no homozygotes.

Submission:

Labcorp Genetics (formerly Invitae), Labcorp
Classification: Uncertain significance. Last evaluated: 2024-12-12. Review status: criteria provided, single submitter. Criteria: Invitae Variant Classification Sherloc (09022015). Collection method: clinical testing. Allele origin: germline.
Comment: This sequence change replaces valine, which is neutral and non-polar, with methionine, which is neutral and non-polar, at codon 653 of the RAI1 protein (p.Val653Met). The frequency data for this variant in the population databases is considered unreliable, as metrics indicate poor data quality at this position in the gnomAD database. This variant has not been reported in the literature in individuals affected with RAI1-related conditions. Invitae Evidence Modeling of protein sequence and biophysical properties (such as structural, functional, and spatial information, amino acid conservation, physicochemical variation, residue mobility, and thermodynamic stability) indicates that this missense variant is not expected to disrupt RAI1 protein function with a negative predictive value of 80%. In summary, the available evidence is currently insufficient to determine the role of this variant in disease. Therefore, it has been classified as a Variant of Uncertain Significance.

NM_030665.4(RAI1):c.1957G>A (p.Val653Met)

Gene: RAI1 (retinoic acid induced 1; plus strand). Cytogenetic location: 17p11.2.
Variant type: single nucleotide variant.
Coding change: c.1957G>A on transcript NM_030665.4 (MANE Select); coding-DNA position 1957, G replaced by A.
Protein change: p.Val653Met; replaces valine 653 with methionine.
Molecular consequence: missense variant.
Genome position (GRCh38, 1-based): chr17:17,794,905, G>A. VCF-style: chr17-17794905-G-A. GRCh37 (hg19) VCF-style: chr17-17698219-G-A.
Other names: short protein forms V653M.
Identifiers: ClinVar variation 3665111 (VCV003665111.2).